The following is an entry in ClinVar:

NM_021075.4(NDUFV3):c.11C>G (p.Pro4Arg)

Gene: NDUFV3 (NADH:ubiquinone oxidoreductase subunit V3; plus strand). Cytogenetic location: 21q22.3.
Variant type: single nucleotide variant.
Coding change: c.11C>G on transcript NM_021075.4 (MANE Select); coding-DNA position 11, C replaced by G.
Protein change: p.Pro4Arg; replaces proline 4 with arginine.
Molecular consequence: missense variant.
Genome position (GRCh38, 1-based): chr21:42,893,344, C>G. VCF-style: chr21-42893344-C-G. GRCh37 (hg19) VCF-style: chr21-44313454-C-G.
Other names: NC_000021.8:g.44313454C>G; c.11C>G, p.Pro4Arg (NM_001001503.2); short protein forms P4R.
Identifiers: ClinVar variation 781907 (VCV000781907.9), dbSNP rs77606940, ClinGen allele CA10046370.

ClinVar aggregate classification (germline): Conflicting classifications of pathogenicity. Review status: criteria provided, conflicting classifications (1 of 4 stars). 3 submissions from 3 submitters: Uncertain significance (1); Likely benign (1). 1 of the submissions does not count toward it. Last evaluated 2023-11-14.

Conditions:
NDUFV3-related disorder. Also called: NDUFV3-related condition.

Allele frequency attached by ClinVar (database versions not stated): ESP Exome Variant Server 0.00050; TOPMed 0.00150; 1000 Genomes Project 0.00200; 1000 Genomes Project 30x 0.00234.
gnomAD v4.1: 2,770 of 1,538,452 alleles (0.18%); highest among the groups gnomAD compares: South Asian, 0.21%; 2 homozygotes.

Submissions (6):

Revvity Omics, Revvity
Classification: Uncertain significance. Last evaluated: 2023-11-14. Review status: criteria provided, single submitter. Criteria: ACMG Guidelines, 2015. Collection method: clinical testing. Allele origin: germline.

Labcorp Genetics (formerly Invitae), Labcorp
Classification: Likely benign. Last evaluated: 2019-12-31. Review status: criteria provided, single submitter. Criteria: Invitae Variant Classification Sherloc (09022015). Collection method: clinical testing. Allele origin: germline.

PreventionGenetics, part of Exact Sciences
Classification: Likely benign for NDUFV3-related condition. Last evaluated: 2022-02-03. Review status: no assertion criteria provided. Collection method: clinical testing. Allele origin: germline. Not counted in ClinVar's aggregate classification.
Comment: This variant is classified as likely benign based on ACMG/AMP sequence variant interpretation guidelines (Richards et al. 2015 PMID: 25741868, with internal and published modifications).

Dr. Peter K. Rogan Lab, Western University
No classification provided (evidence only). Condition: Familial cancer of breast. Review status: no classification provided. Collection method: in vitro. Allele origin: not applicable. Functional consequence: retained intron. Not counted in ClinVar's aggregate classification.

Dr. Peter K. Rogan Lab, Western University
No classification provided (evidence only). Condition: Cervical cancer. Review status: no classification provided. Collection method: in vitro. Allele origin: not applicable. Functional consequence: retained intron. Not counted in ClinVar's aggregate classification.

Dr. Peter K. Rogan Lab, Western University
No classification provided (evidence only). Condition: Sarcoma. Review status: no classification provided. Collection method: in vitro. Allele origin: not applicable. Functional consequence: retained intron. Not counted in ClinVar's aggregate classification.